The following is an entry in ClinVar:

ClinVar aggregate classification (germline): Likely pathogenic. Review status: criteria provided, multiple submitters, no conflicts (2 of 4 stars). 3 submissions from 3 submitters: Likely pathogenic (3). Last evaluated 2026-04-13.

Conditions:
Pheochromocytoma/paraganglioma syndrome 3. Also called: GLOMUS TUMORS, FAMILIAL, 3; Paragangliomas 3; SDHC-Related Hereditary Paraganglioma-Pheochromocytoma Syndrome (Paragangliomas 3); SDHC-Related Hereditary Paraganglioma-Pheochromocytoma Syndrome. Identifiers: Orphanet 29072, MedGen C1854336, MONDO:0011544, OMIM 605373.
Gastrointestinal stromal tumor. Also called: Gastrointestinal stromal tumor, somatic; Gastrointestinal stroma tumor. Identifiers: Orphanet 44890, MedGen C0238198, MeSH D046152, MONDO:0011719, OMIM 606764, HP:0100723.
Hereditary pheochromocytoma and paraganglioma. Also called: Hereditary pheochromocytoma-paraganglioma; Hereditary Paraganglioma-Pheochromocytoma Syndromes; Hereditary paragangliomas and pheochromocytomas. Identifiers: Orphanet 29072, MedGen C4274332, MONDO:0017366.

Allele frequency attached by ClinVar (database versions not stated): gnomAD exomes below 0.00001.

Submissions (3):

GeneDx
Classification: Likely pathogenic. Last evaluated: 2026-04-13. Review status: criteria provided, single submitter. Criteria: GeneDx Variant Classification Process June 2021. Collection method: clinical testing. Allele origin: germline.
Comment: Canonical splice site variant predicted to result in a null allele in a gene for which loss of function is a known mechanism of disease; Not observed at significant frequency in large population cohorts (gnomAD); Has not been previously published as pathogenic or benign to our knowledge

All of Us Research Program, National Institutes of Health
Classification: Likely pathogenic for Hereditary pheochromocytoma and paraganglioma. Last evaluated: 2024-08-13. Review status: criteria provided, single submitter. Criteria: ACMG Guidelines, 2015. Collection method: clinical testing. Allele origin: germline. Inheritance: Autosomal dominant inheritance. Observed: 1 variant allele, 1 heterozygote.
Comment: This variant is located in the splice donor site of exon 1 of the SDHC gene. Splice site prediction tools suggest that this variant may impact RNA splicing, reading through the exon 1 donor site to encounter a stop codon at codon 8. To our knowledge, RNA studies have not been reported for this variant. This variant has not been reported in individuals affected with SDHC-related disorders in the literature. This variant has been identified in 1/249752 chromosomes in the general population by the Genome Aggregation Database (gnomAD). Based on the available evidence, this variant is classified as Likely Pathogenic.

This study involves interpretation of variants in research participants for the purpose of population health screening. Participant phenotype was not available at the time of variant classification. Additional details can be found in publication PMID: 35346344, PMCID: PMC8962531

Labcorp Genetics (formerly Invitae), Labcorp
Classification: Likely pathogenic for Pheochromocytoma/paraganglioma syndrome 3; Gastrointestinal stromal tumor. Last evaluated: 2021-02-12. Review status: criteria provided, single submitter. Criteria: Invitae Variant Classification Sherloc (09022015). Collection method: clinical testing. Allele origin: germline.
Comment: In summary, the currently available evidence indicates that the variant is pathogenic, but additional data are needed to prove that conclusively. Therefore, this variant has been classified as Likely Pathogenic. Donor and acceptor splice site variants typically lead to a loss of protein function (PMID: 16199547), and loss-of-function variants in SDHC are known to be pathogenic (PMID: 19454582, 24758179). Algorithms developed to predict the effect of sequence changes on RNA splicing suggest that this variant may disrupt the consensus splice site, but this prediction has not been confirmed by published transcriptional studies. This variant has not been reported in the literature in individuals with SDHC-related conditions. This variant is not present in population databases (ExAC no frequency). This sequence change affects a donor splice site in intron 1 of the SDHC gene. It is expected to disrupt RNA splicing and likely results in an absent or disrupted protein product.

Literature cited by the submitters: PubMed 16199547 (cited by Labcorp Genetics (formerly Invitae), Labcorp); PubMed 19454582 (cited by Labcorp Genetics (formerly Invitae), Labcorp); PubMed 24758179 (cited by Labcorp Genetics (formerly Invitae), Labcorp).

NM_003001.5(SDHC):c.20+1G>T

Gene: SDHC (succinate dehydrogenase complex subunit C; plus strand). Cytogenetic location: 1q23.3.
Variant type: single nucleotide variant.
Coding change: c.20+1G>T on transcript NM_003001.5 (MANE Select); the canonical splice donor site of the intron after coding-DNA position 20, G replaced by T.
Molecular consequence: splice donor variant. On other transcripts: 5 prime UTR variant (1).
Genome position (GRCh38, 1-based): chr1:161,314,426, G>T. VCF-style: chr1-161314426-G-T. GRCh37 (hg19) VCF-style: chr1-161284216-G-T.
Other names: c.-540G>T (NM_001407119.1); c.-210+1G>T (NM_001407120.1); c.20+1G>T (NM_001407115.1, NM_001035511.3, NM_001035512.3 and 6 more transcripts).
Identifiers: ClinVar variation 1067029 (VCV001067029.10), dbSNP rs1249046874, ClinGen allele CA343355035.